The following is an entry in ClinVar:

NM_152594.3(SPRED1):c.350_351dup (p.Arg118fs)

Gene: SPRED1 (sprouty related EVH1 domain containing 1; plus strand). Cytogenetic location: 15q14.
Variant type: Duplication.
Coding change: c.350_351dup on transcript NM_152594.3 (MANE Select); coding-DNA positions 350 to 351, 2 bases duplicated (GA; older notation c.350_351dupGA).
Protein change: p.Arg118fs; shifts the reading frame from arginine 118.
Molecular consequence: frameshift variant.
Genome position (GRCh38, 1-based): chr15:38,322,383-38,322,384, GA duplicated. VCF-style (leftmost placement, unchanged base first): chr15-38322382-C-CGA. GRCh37 (hg19) VCF-style: chr15-38614583-C-CGA.
Other names: short protein forms R118fs.
Identifiers: ClinVar variation 3777031 (VCV003777031.1).
Genomic context (GRCh38, chr15:38,322,382, plus strand): 5'-AAGAAGTTTGGTCTTACGTTTCAAAGTCCTGCTGATGCTAGGGCTTTTGATAGAGGTATC[C>CGA]GAAGAGCTATAGAGGATATTTCTCAAGGTAGGTATTCTTGACTATTTTCTTAATTTATTT-3'

ClinVar aggregate classification (germline): Likely pathogenic (1 of 4 stars; one submission).

Conditions:
Legius syndrome. Identifiers: Orphanet 137605, MedGen C1969623, MONDO:0012669, OMIM 611431. Disease mechanism: loss of function.

Submission:

Center for Precision Genome Editing and Genetic Technologies for Biomedicine, Pirogov Russian National Research Medical University
Classification: Likely pathogenic for Legius syndrome. Last evaluated: 2024-09-04. Review status: criteria provided, single submitter. Criteria: ACMG Guidelines, 2015. Collection method: clinical testing. Allele origin: unknown. Inheritance: Autosomal dominant inheritance. Affected: yes. Observed: 1 heterozygote.
Comment: SPRED1(NM_152594.3):c.350_351dup (p.R118Efs*4) is a frameshift variant that leads to the formation of a premature stop codon, which will result in a reduction in the amount of protein product - PVS1. This variant has not been detected in control samples nor in patients with Legius syndrome, OMIM: 611431, hence the PM2 criterion applies. Based on the applied ACMG/AMP criteria (PVS1, PM2), this variant is classified as likely pathogenic for Legius syndrome, OMIM: 611431.